The following is an entry in ClinVar:

NM_001369268.1(ACAN):c.5113_5124del (p.Arg1705_Gly1708del)

Gene: ACAN (aggrecan; plus strand). Cytogenetic location: 15q26.1.
Variant type: Deletion.
Coding change: c.5113_5124del on transcript NM_001369268.1 (MANE Select); coding-DNA positions 5113 to 5124, 12 bases deleted (AGAGCTAGTGGA).
Protein change: p.Arg1705_Gly1708del.
Molecular consequence: inframe deletion.
Genome position (GRCh38, 1-based): chr15:88,857,698-88,857,709, AGAGCTAGTGGA deleted. VCF-style (leftmost placement, unchanged base first): chr15-88857697-GAGAGCTAGTGGA-G. GRCh37 (hg19) VCF-style: chr15-89400928-GAGAGCTAGTGGA-G.
Other names: c.5113_5124del, p.Arg1705_Gly1708del (NM_001135.4, NM_001411096.1, NM_001411097.1 and 1 more transcripts).
Identifiers: ClinVar variation 2577702 (VCV002577702.1), dbSNP rs2505323086, ClinGen allele CA2580617454.

ClinVar aggregate classification (germline): Uncertain significance (1 of 4 stars; one submission).

Submission:

GeneDx
Classification: Uncertain significance. Last evaluated: 2023-02-24. Review status: criteria provided, single submitter. Criteria: GeneDx Variant Classification Process June 2021. Collection method: clinical testing. Allele origin: germline. Affected: yes.
Comment: Not observed at significant frequency in large population cohorts (gnomAD); In-frame deletion of 4 amino acids in a non-repeat region; In silico analysis supports that this variant does not alter protein structure/function; Has not been previously published as pathogenic or benign to our knowledge